The following is an entry in ClinVar:

NM_004369.4(COL6A3):c.9045dup (p.Gly3016fs)

Gene: COL6A3 (collagen type VI alpha 3 chain; minus strand). Cytogenetic location: 2q37.3.
Variant type: Duplication.
Coding change: c.9045dup on transcript NM_004369.4 (MANE Select); coding-DNA position 9045, one base duplicated (C; older notation c.9045dupC).
Protein change: p.Gly3016fs; shifts the reading frame from glycine 3016.
Molecular consequence: frameshift variant.
Genome position (GRCh38, 1-based): chr2:237,334,810, G duplicated on the plus strand (C on the coding strand, the reverse complement: COL6A3 is on the minus strand); the first of 6 consecutive G bases (chr2:237,334,810-237,334,815); duplicating any one gives the same sequence. VCF-style (leftmost placement, unchanged base first): chr2-237334809-C-CG. GRCh37 (hg19) VCF-style: chr2-238243452-C-CG.
Other names: c.7224dup, p.Gly2409fs (NM_057166.5); c.8427dup, p.Gly2810fs (NM_057167.4); short protein forms G2409fs, G2810fs, G3016fs.
Identifiers: ClinVar variation 4763770 (VCV004763770.1).

ClinVar aggregate classification (germline): Pathogenic (1 of 4 stars; one submission).

Conditions:
Bethlem myopathy 1A. Also called: Bethlem myopathy 1; Bethlem Muscular Dystrophy; MYOPATHY, BENIGN CONGENITAL, WITH CONTRACTURES. Identifiers: Orphanet 610, MedGen CN029274, MONDO:0024530, OMIM 158810.

Submission:

Labcorp Genetics (formerly Invitae), Labcorp
Classification: Pathogenic for Bethlem myopathy 1A. Last evaluated: 2025-05-28. Review status: criteria provided, single submitter. Criteria: Invitae Variant Classification Sherloc (09022015). Collection method: clinical testing. Allele origin: germline.
Comment: This sequence change creates a premature translational stop signal (p.Gly3016Argfs*6) in the COL6A3 gene. It is expected to result in an absent or disrupted protein product. Loss-of-function variants in COL6A3 are known to be pathogenic (PMID: 26004199). This variant is not present in population databases (gnomAD no frequency). This premature translational stop signal has been observed in individual(s) with autosomal recessive COL6A3-related conditions (PMID: 33749658). For these reasons, this variant has been classified as Pathogenic.

Literature cited by the submitters: PubMed 26004199; PubMed 33749658.